The following is an entry in ClinVar:

ClinVar aggregate classification (germline): Uncertain significance (1 of 4 stars; one submission).

Conditions:
Dyskeratosis congenita. Identifiers: Orphanet 1775, MedGen C0265965, MONDO:0015780.

Submission:

Ambry Genetics
Classification: Uncertain significance for Dyskeratosis congenita. Last evaluated: 2026-03-02. Review status: criteria provided, single submitter. Criteria: Ambry Variant Classification Scheme 2023. Collection method: clinical testing. Allele origin: germline.
Comment: The c.3158-19delA intronic variant, located in intron 14 of the TERT gene, results from a deletion of one nucleotide within intron 14 of the TERT gene. This nucleotide position is well conserved in available vertebrate species. In silico splice site analysis predicts that this alteration will not have any significant effect on splicing. Based on the available evidence, the clinical significance of this variant remains unclear.

NM_198253.3(TERT):c.3158-19del

Gene: TERT (telomerase reverse transcriptase; minus strand). Cytogenetic location: 5p15.33.
Variant type: Deletion.
Coding change: c.3158-19del on transcript NM_198253.3 (MANE Select); 19 bases into the intron before coding-DNA position 3158, one base deleted (A; older notation c.3158-19delA).
Molecular consequence: intron variant.
Genome position (GRCh38, 1-based): chr5:1,254,524, T deleted on the plus strand (A on the coding strand, the reverse complement: TERT is on the minus strand). VCF-style (leftmost placement, unchanged base first): chr5-1254523-CT-C. GRCh37 (hg19) VCF-style: chr5-1254638-CT-C.
Other names: c.2969-19del (NM_001193376.3).
Identifiers: ClinVar variation 1728248 (VCV001728248.3), dbSNP rs2478075033, ClinGen allele CA2580071940.